The following is an entry in ClinVar:

ClinVar aggregate classification (germline): Conflicting classifications of pathogenicity. Review status: criteria provided, conflicting classifications (1 of 4 stars). 2 submissions from 2 submitters: Uncertain significance (1); Likely benign (1). Last evaluated 2024-05-09.

Conditions:
Inborn genetic diseases. Identifiers: MedGen C0950123, MeSH D030342.

Allele frequency attached by ClinVar (database versions not stated): gnomAD exomes 0.00004; gnomAD 0.00007; ExAC 0.00008; ESP Exome Variant Server 0.00008; TOPMed 0.00008; 1000 Genomes Project 30x 0.00031; 1000 Genomes Project 0.00040.
gnomAD v4.1: 66 of 1,612,418 alleles (0.0041%); highest among the groups gnomAD compares: East Asian, 0.036%; no homozygotes.

Submissions (2):

Ambry Genetics
Classification: Likely benign for Inborn genetic diseases. Last evaluated: 2024-05-09. Review status: criteria provided, single submitter. Criteria: Ambry Variant Classification Scheme 2023. Collection method: clinical testing. Allele origin: germline.

Labcorp Genetics (formerly Invitae), Labcorp
Classification: Uncertain significance. Last evaluated: 2022-01-21. Review status: criteria provided, single submitter. Criteria: Invitae Variant Classification Sherloc (09022015). Collection method: clinical testing. Allele origin: germline.
Comment: This sequence change replaces valine, which is neutral and non-polar, with isoleucine, which is neutral and non-polar, at codon 1079 of the FAT1 protein (p.Val1079Ile). This variant is present in population databases (rs143694311, gnomAD 0.06%). This variant has not been reported in the literature in individuals affected with FAT1-related conditions. Algorithms developed to predict the effect of missense changes on protein structure and function output the following: SIFT: "Tolerated"; PolyPhen-2: "Benign"; Align-GVGD: "Class C0". The isoleucine amino acid residue is found in multiple mammalian species, which suggests that this missense change does not adversely affect protein function. In summary, the available evidence is currently insufficient to determine the role of this variant in disease. Therefore, it has been classified as a Variant of Uncertain Significance.

NM_005245.4(FAT1):c.3235G>A (p.Val1079Ile)

Gene: FAT1 (FAT atypical cadherin 1; minus strand). Cytogenetic location: 4q35.2.
Variant type: single nucleotide variant.
Coding change: c.3235G>A on transcript NM_005245.4 (MANE Select); coding-DNA position 3235, G replaced by A.
Protein change: p.Val1079Ile; replaces valine 1079 with isoleucine.
Molecular consequence: missense variant.
Genome position (GRCh38, 1-based): chr4:186,706,593, C>T on the plus strand (G>A on the coding strand, the complement: FAT1 is on the minus strand). VCF-style: chr4-186706593-C-T. GRCh37 (hg19) VCF-style: chr4-187627747-C-T.
Other names: c.3235G>A (NM_005245.3); short protein forms V1079I.
Identifiers: ClinVar variation 2077490 (VCV002077490.2), dbSNP rs143694311, ClinGen allele CA3167078.